The following is an entry in ClinVar:

ClinVar aggregate classification (germline): Uncertain significance (1 of 4 stars; one submission).

Submission:

Labcorp Genetics (formerly Invitae), Labcorp
Classification: Uncertain significance. Last evaluated: 2022-09-19. Review status: criteria provided, single submitter. Criteria: Invitae Variant Classification Sherloc (09022015). Collection method: clinical testing. Allele origin: germline.
Comment: This sequence change replaces glutamic acid, which is acidic and polar, with aspartic acid, which is acidic and polar, at codon 42 of the SMAD2 protein (p.Glu42Asp). This variant is not present in population databases (gnomAD no frequency). In summary, the available evidence is currently insufficient to determine the role of this variant in disease. Therefore, it has been classified as a Variant of Uncertain Significance. Advanced modeling of protein sequence and biophysical properties (such as structural, functional, and spatial information, amino acid conservation, physicochemical variation, residue mobility, and thermodynamic stability) has been performed at Invitae for this missense variant, however the output from this modeling did not meet the statistical confidence thresholds required to predict the impact of this variant on SMAD2 protein function. This variant has not been reported in the literature in individuals affected with SMAD2-related conditions.

NM_005901.6(SMAD2):c.126G>T (p.Glu42Asp)

Gene: SMAD2 (SMAD family member 2; minus strand). Cytogenetic location: 18q21.1.
Variant type: single nucleotide variant.
Coding change: c.126G>T on transcript NM_005901.6 (MANE Select); coding-DNA position 126, G replaced by T.
Protein change: p.Glu42Asp; replaces glutamic acid 42 with aspartic acid.
Molecular consequence: missense variant.
Genome position (GRCh38, 1-based): chr18:47,896,631, C>A on the plus strand (G>T on the coding strand, the complement: SMAD2 is on the minus strand). VCF-style: chr18-47896631-C-A. GRCh37 (hg19) VCF-style: chr18-45423002-C-A.
Other names: c.126G>T, p.Glu42Asp (NM_001003652.4, NM_001135937.3); short protein forms E42D.
Identifiers: ClinVar variation 2031253 (VCV002031253.4), dbSNP rs2144474665, ClinGen allele CA402503154.